The following is an entry in ClinVar:

NM_020832.3(ZNF687):c.2947AAG[1] (p.Lys984del)

Gene: ZNF687 (zinc finger protein 687; plus strand). Cytogenetic location: 1q21.3.
Variant type: Microsatellite.
Coding change: c.2947AAG[1] on transcript NM_020832.3 (MANE Select); one copy of the 3-base unit AAG starting at c.2947; the reference has two copies in a row; one copy, 3 bases deleted.
Protein change: p.Lys984del; deletes lysine 984.
Molecular consequence: inframe deletion.
Genome position (GRCh38, 1-based): chr1:151,289,993-151,289,995, AAG deleted; deleting any 3 consecutive bases within chr1:151,289,989-151,289,995 gives the same sequence; the position shown is the placement nearest the transcript's 3' end. VCF-style (leftmost placement, unchanged base first): chr1-151289988-TGAA-T. GRCh37 (hg19) VCF-style: chr1-151262464-TGAA-T.
Other names: c.2947AAG[1], p.Lys984del (NM_001304763.2, NM_001304764.2); short protein forms K984del.
Identifiers: ClinVar variation 3618114 (VCV003618114.2).
Genomic context (GRCh38, chr1:151,289,988, plus strand): 5'-GCTGGACCTGTGGCCTGTGTCACTCCTGGTTCCCTGAGCGTGATGAATACGTGGCCCACA[TGAA>T]GAAGGAGCATGGCAAGGTGAGTGGGCCCCAAGGGGAGTACCATGGGCTGGGGGCAGCATT-3'

ClinVar aggregate classification (germline): Uncertain significance (1 of 4 stars; one submission).

Submission:

Labcorp Genetics (formerly Invitae), Labcorp
Classification: Uncertain significance. Last evaluated: 2025-04-21. Review status: criteria provided, single submitter. Criteria: Invitae Variant Classification Sherloc (09022015). Collection method: clinical testing. Allele origin: germline.
Comment: This variant, c.2950_2952del, results in the deletion of 1 amino acid(s) of the ZNF687 protein (p.Lys984del), but otherwise preserves the integrity of the reading frame. This variant is present in population databases (rs774734408, gnomAD 0.006%). This variant has not been reported in the literature in individuals affected with ZNF687-related conditions. Experimental studies and prediction algorithms are not available or were not evaluated, and the functional significance of this variant is currently unknown. In summary, the available evidence is currently insufficient to determine the role of this variant in disease. Therefore, it has been classified as a Variant of Uncertain Significance.